The following is an entry in ClinVar:

ClinVar aggregate classification (germline): Likely pathogenic (1 of 4 stars; one submission).

Conditions:
Early-infantile DEE. Also called: Early infantile epileptic encephalopathy; Ohtahara syndrome; Early infantile epileptic encephalopathy with suppression bursts. Identifiers: Orphanet 1934, MedGen C0393706, MONDO:0800491.

Submission:

Labcorp Genetics (formerly Invitae), Labcorp
Classification: Likely pathogenic for Early-infantile DEE. Last evaluated: 2022-05-08. Review status: criteria provided, single submitter. Criteria: Invitae Variant Classification Sherloc (09022015). Collection method: clinical testing. Allele origin: germline.
Comment: In summary, the currently available evidence indicates that the variant is pathogenic, but additional data are needed to prove that conclusively. Therefore, this variant has been classified as Likely Pathogenic. Algorithms developed to predict the effect of sequence changes on RNA splicing suggest that this variant may disrupt the consensus splice site. This variant has not been reported in the literature in individuals affected with SPTAN1-related conditions. This variant is not present in population databases (gnomAD no frequency). This sequence change affects an acceptor splice site in intron 25 of the SPTAN1 gene. It is expected to disrupt RNA splicing. Variants that disrupt the donor or acceptor splice site typically lead to a loss of protein function (PMID: 16199547), and loss-of-function variants in SPTAN1 are known to be pathogenic (PMID: 31332438, 33206935).

Literature cited by the submitters: PubMed 16199547; PubMed 31332438; PubMed 33206935.

NM_001130438.3(SPTAN1):c.3520-2A>G

Gene: SPTAN1 (spectrin alpha, non-erythrocytic 1; plus strand). Cytogenetic location: 9q34.11.
Variant type: single nucleotide variant.
Coding change: c.3520-2A>G on transcript NM_001130438.3 (MANE Select); the canonical splice acceptor site of the intron before coding-DNA position 3520, A replaced by G.
Molecular consequence: splice acceptor variant.
Genome position (GRCh38, 1-based): chr9:128,598,961, A>G. VCF-style: chr9-128598961-A-G. GRCh37 (hg19) VCF-style: chr9-131361240-A-G.
Other names: c.3556-2A>G (NM_001375318.1, NM_001375312.2); c.3520-2A>G (NM_001375311.2, NM_001375310.1, NM_001363759.2 and 2 more transcripts); c.3460-2A>G (NM_001375314.2, NM_001363765.2, NM_001195532.2).
Identifiers: ClinVar variation 2135386 (VCV002135386.4), dbSNP rs2541541908, ClinGen allele CA375062523.